The following is an entry in ClinVar:

ClinVar aggregate classification (germline): Uncertain significance (1 of 4 stars; one submission).

Submission:

Ambry Genetics
Classification: Uncertain significance. Last evaluated: 2025-05-31. Review status: criteria provided, single submitter. Criteria: Ambry Variant Classification Scheme 2023. Collection method: clinical testing. Allele origin: germline.
Comment: The p.L652P variant (also known as c.1955T>C), located in coding exon 13 of the RINT1 gene, results from a T to C substitution at nucleotide position 1955. The leucine at codon 652 is replaced by proline, an amino acid with similar properties. This amino acid position is conserved. In addition, the in silico prediction for this alteration is inconclusive. Based on the available evidence, the clinical significance of this variant remains unclear.

NM_021930.6(RINT1):c.1955T>C (p.Leu652Pro)

Genes: EFCAB10 (EF-hand calcium binding domain 10; minus strand), RINT1 (RAD50 interactor 1; plus strand). Cytogenetic location: 7q22.3.
Variant type: single nucleotide variant.
Coding change: c.1955T>C on transcript NM_021930.6 (MANE Select); coding-DNA position 1955, T replaced by C.
Protein change: p.Leu652Pro; replaces leucine 652 with proline.
Molecular consequence: missense variant. On other transcripts: 3 prime UTR variant (3), non-coding transcript variant (1).
Genome position (GRCh38, 1-based): chr7:105,565,345, T>C. VCF-style: chr7-105565345-T-C. GRCh37 (hg19) VCF-style: chr7-105205792-T-C.
Other names: c.*102A>G (NM_001355526.2); c.*204A>G (NM_001355530.2); c.*57A>G (NM_001355531.2); c.1721T>C, p.Leu574Pro (NM_001346599.2); c.932T>C, p.Leu311Pro (NM_001346600.2, NM_001346603.2); c.1031T>C, p.Leu344Pro (NM_001346601.2); short protein forms L574P, L652P, L311P, L344P.
Identifiers: ClinVar variation 3946012 (VCV003946012.1).